The following is an entry in ClinVar:

ClinVar aggregate classification (germline): Likely pathogenic (1 of 4 stars; one submission).

Conditions:
Clark-Baraitser syndrome. Also called: BARAITSER SYNDROME; Mental retardation, tall stature, obesity, macrocephaly and typical facial features; Intellectual disability, autosomal dominant 49; MENTAL RETARDATION, AUTOSOMAL DOMINANT 49. Identifiers: Orphanet 600731, MedGen C2931130, MONDO:0030914, OMIM 617752.

Submission:

3billion
Classification: Likely pathogenic for Clark-Baraitser syndrome. Review status: criteria provided, single submitter. Criteria: ACMG Guidelines, 2015. Collection method: clinical testing. Allele origin: unknown. Affected: yes. Observed: 1 heterozygote.
Comment: The variant is not observed in the gnomAD v2.1.1 dataset. The variant is predicted to result in a loss or disruption of normal protein function through nonsense-mediated decay (NMD) or protein truncation. Multiple pathogenic variants are reported downstream of the variant. Therefore, this variant is classified as Likely pathogenic according to the recommendation of ACMG/AMP guideline.

NM_001348323.3(TRIP12):c.2764_2767dup (p.Ser923Ter)

Gene: TRIP12 (thyroid hormone receptor interactor 12; minus strand). Cytogenetic location: 2q36.3.
Variant type: Duplication.
Coding change: c.2764_2767dup on transcript NM_001348323.3 (MANE Select); coding-DNA positions 2764 to 2767, 4 bases duplicated (AGTT; older notation c.2764_2767dupAGTT).
Protein change: p.Ser923Ter; replaces serine 923 with a stop codon.
Molecular consequence: nonsense.
Genome position (GRCh38, 1-based): chr2:229,804,111-229,804,114, AACT duplicated on the plus strand (AGTT on the coding strand, the reverse complement: TRIP12 is on the minus strand); duplicating any 4 consecutive bases within chr2:229,804,111-229,804,115 gives the same sequence; the c. name uses the placement nearest the transcript's 3' end. VCF-style (leftmost placement, unchanged base first): chr2-229804110-G-GAACT. GRCh37 (hg19) VCF-style: chr2-230668826-G-GAACT.
Other names: c.2683_2686dup, p.Ser896Ter (NM_001284214.2, NM_001348315.2); c.2638_2641dup, p.Ser881Ter (NM_001284215.2, NM_001348316.2, NM_001348317.1 and 1 more transcripts); c.1729_1732dup, p.Ser578Ter (NM_001284216.2); c.2764_2767dup, p.Ser923Ter (NM_001348319.1, NM_001348320.2, NM_001348322.1 and 4 more transcripts); c.2767_2770dup, p.Ser924Ter (NM_001348321.1, NM_001348328.1, NM_001348329.2 and 1 more transcripts); c.2557_2560dup, p.Ser854Ter (NM_001348331.1); c.2677_2680dup, p.Ser894Ter (NM_001348332.1); c.2686_2689dup, p.Ser897Ter (NM_001348333.1); and 1 more; short protein forms S578*, S848*, S854*, S881*, S894*, S896*, S897*, S923*.
Identifiers: ClinVar variation 2572463 (VCV002572463.1), dbSNP rs2471975615, ClinGen allele CA2580616739.